The following is an entry in ClinVar:

NM_001458.5(FLNC):c.6889G>C (p.Val2297Leu)

Genes: FLNC (filamin C; plus strand), FLNC-AS1 (FLNC antisense RNA 1; minus strand). Cytogenetic location: 7q32.1.
Variant type: single nucleotide variant.
Coding change: c.6889G>C on transcript NM_001458.5 (MANE Select); coding-DNA position 6889, G replaced by C.
Protein change: p.Val2297Leu; replaces valine 2297 with leucine.
Molecular consequence: missense variant.
Genome position (GRCh38, 1-based): chr7:128,854,574, G>C. VCF-style: chr7-128854574-G-C. GRCh37 (hg19) VCF-style: chr7-128494628-G-C.
Other names: p.Val2297Leu; c.6790G>C, p.Val2264Leu (NM_001127487.2); short protein forms V2264L, V2297L.
Identifiers: ClinVar variation 2682998 (VCV002682998.2), dbSNP rs1420394583, ClinGen allele CA369214073.

ClinVar aggregate classification (germline): Uncertain significance. Review status: criteria provided, multiple submitters, no conflicts (2 of 4 stars). 2 submissions from 2 submitters: Uncertain significance (2). Last evaluated 2025-10-17.

Conditions:
Cardiovascular phenotype. Identifiers: MedGen CN230736.

Submissions (2):

Ambry Genetics
Classification: Uncertain significance for Cardiovascular phenotype. Last evaluated: 2025-10-17. Review status: criteria provided, single submitter. Criteria: Ambry Variant Classification Scheme 2023. Collection method: clinical testing. Allele origin: germline.
Comment: The p.V2297L variant (also known as c.6889G>C), located in coding exon 41 of the FLNC gene, results from a G to C substitution at nucleotide position 6889. The valine at codon 2297 is replaced by leucine, an amino acid with highly similar properties. This variant was reported in individual(s) with features consistent with FLNC-related hypertrophy/restrictive cardiomyopathy and/or skeletal myopathy (Ambry internal data). Other variant(s) at the same codon, p.V2297M (c.6889G>A), have been identified in individual(s) with features consistent with restrictive cardiomyopathy (RCM) with and without skeletal myopathy, and has been shown to segregate with disease in families (Tucker NR et al. Circ Cardiovasc Genet, 2017 Dec;10; Ader F et al. Med Sci (Paris), 2018 Nov;34 Hors s&eacute;rie n&deg;2:39-41; Ma Y et al. Circ Genom Precis Med, 2018 Apr;11:e002117; Rold&aacute;n-Sevilla A et al. Circ Genom Precis Med, 2019 Mar;12:e002388; Xiao F et al. Transl Pediatr, 2020 Feb;9:21-33; Bagnall RD et al. Circ Genom Precis Med. 2022 Dec;15(6):e003686Muravyev A et al. Orphanet J Rare Dis, 2022 Sep;17:358; Ambry internal data). This amino acid position is highly conserved in available vertebrate species. In addition, the in silico prediction for this alteration is inconclusive. Based on the available evidence, the clinical significance of this variant remains unclear.

Mayo Clinic Laboratories, Mayo Clinic
Classification: Uncertain significance. Last evaluated: 2023-03-21. Review status: criteria provided, single submitter. Criteria: ACMG Guidelines, 2015. Collection method: clinical testing. Allele origin: germline. Observed: 1 variant allele.
Comment: PM2